The following is an entry in ClinVar:

NM_000553.6(WRN):c.4081del (p.Ser1361fs)

Gene: WRN (WRN RecQ like helicase; plus strand). Cytogenetic location: 8p12.
Variant type: Deletion.
Coding change: c.4081del on transcript NM_000553.6 (MANE Select); coding-DNA position 4081, one base deleted (A; older notation c.4081delA).
Protein change: p.Ser1361fs; shifts the reading frame from serine 1361.
Molecular consequence: frameshift variant.
Genome position (GRCh38, 1-based): chr8:31,167,120, A deleted. VCF-style (leftmost placement, unchanged base first): chr8-31167119-CA-C. GRCh37 (hg19) VCF-style: chr8-31024635-CA-C.
Other names: short protein forms S1361fs.
Identifiers: ClinVar variation 1040327 (VCV001040327.5), dbSNP rs1803921888, ClinGen allele CA2497475640.

ClinVar aggregate classification (germline): Uncertain significance (1 of 4 stars; one submission).

Conditions:
Werner syndrome (WRN). Identifiers: Orphanet 902, MedGen C0043119, MONDO:0010196, OMIM 277700.

Submission:

Labcorp Genetics (formerly Invitae), Labcorp
Classification: Uncertain significance for Werner syndrome. Last evaluated: 2020-09-09. Review status: criteria provided, single submitter. Criteria: Invitae Variant Classification Sherloc (09022015). Collection method: clinical testing. Allele origin: germline.
Comment: Experimental studies and prediction algorithms are not available or were not evaluated, and the functional significance of this variant is currently unknown. In summary, the available evidence is currently insufficient to determine the role of this variant in disease. Therefore, it has been classified as a Variant of Uncertain Significance. This variant has not been reported in the literature in individuals with WRN-related conditions. This variant is not present in population databases (ExAC no frequency). This sequence change results in a premature translational stop signal in the WRN gene (p.Ser1361Alafs*32). While this is not anticipated to result in nonsense mediated decay, it is expected to disrupt the last 72 amino acids of the WRN protein.